The following is an entry in ClinVar:

ClinVar aggregate classification (germline): Uncertain significance (1 of 4 stars; one submission).

Conditions:
Developmental and epileptic encephalopathy, 25 (DEE25). Also called: Developmental and epileptic encephalopathy 25, with amelogenesis imperfecta; Epileptic encephalopathy, early infantile, 25, with amelogenesis imperfecta; Epileptic encephalopathy, early infantile, 25. Identifiers: Orphanet 442835, MedGen C4014621, MONDO:0014392, OMIM 615905.

Submission:

Labcorp Genetics (formerly Invitae), Labcorp
Classification: Uncertain significance for Developmental and epileptic encephalopathy, 25. Last evaluated: 2022-07-23. Review status: criteria provided, single submitter. Criteria: Invitae Variant Classification Sherloc (09022015). Collection method: clinical testing. Allele origin: germline.
Comment: In summary, the available evidence is currently insufficient to determine the role of this variant in disease. Therefore, it has been classified as a Variant of Uncertain Significance. Algorithms developed to predict the effect of sequence changes on RNA splicing suggest that this variant may disrupt the consensus splice site. Algorithms developed to predict the effect of missense changes on protein structure and function are either unavailable or do not agree on the potential impact of this missense change (SIFT: "Deleterious"; PolyPhen-2: "Probably Damaging"; Align-GVGD: "Class C0"). This variant has not been reported in the literature in individuals affected with SLC13A5-related conditions. This variant is not present in population databases (gnomAD no frequency). This sequence change replaces glycine, which is neutral and non-polar, with arginine, which is basic and polar, at codon 536 of the SLC13A5 protein (p.Gly536Arg).

NM_177550.5(SLC13A5):c.1606G>A (p.Gly536Arg)

Gene: SLC13A5 (solute carrier family 13 member 5; minus strand). Cytogenetic location: 17p13.1.
Variant type: single nucleotide variant.
Coding change: c.1606G>A on transcript NM_177550.5 (MANE Select); coding-DNA position 1606, G replaced by A.
Protein change: p.Gly536Arg; replaces glycine 536 with arginine.
Molecular consequence: missense variant.
Genome position (GRCh38, 1-based): chr17:6,686,308, C>T on the plus strand (G>A on the coding strand, the complement: SLC13A5 is on the minus strand). VCF-style: chr17-6686308-C-T. GRCh37 (hg19) VCF-style: chr17-6589627-C-T.
Other names: c.1468G>A, p.Gly490Arg (NM_001143838.3); c.1555G>A, p.Gly519Arg (NM_001284509.2); c.1477G>A, p.Gly493Arg (NM_001284510.2); short protein forms G490R, G493R, G519R, G536R.
Identifiers: ClinVar variation 1713462 (VCV001713462.6), dbSNP rs2544603102, ClinGen allele CA397737148.
Genomic context (GRCh38, chr17:6,686,308, plus strand): 5'-GATCCAAGTCAAATATGGCCCGTCCCCAGGTGTTGACAGCCAAAAACACACAGAAGACTC[C>T]AATTATGTTCATTATGACTCCTGTTTTCACCTGGAAAAGAGACAGAGTCAGCACCCTGAG-3'
Protein context (NP_808218.1, residues 526-546): VKTGVIMNII[Gly536Arg]VFCVFLAVNT